The following is an entry in ClinVar:

ClinVar aggregate classification (germline): Uncertain significance (1 of 4 stars; one submission).

Conditions:
Hypertrophic cardiomyopathy. Also called: HYPERTROPHIC MYOCARDIOPATHY. Identifiers: Orphanet 217569, MedGen C0007194, MeSH D002312, MONDO:0005045, HP:0001639.

Submission:

Labcorp Genetics (formerly Invitae), Labcorp
Classification: Uncertain significance for Hypertrophic cardiomyopathy. Last evaluated: 2025-04-11. Review status: criteria provided, single submitter. Criteria: Invitae Variant Classification Sherloc (09022015). Collection method: clinical testing. Allele origin: germline.
Comment: This sequence change replaces isoleucine, which is neutral and non-polar, with valine, which is neutral and non-polar, at codon 457 of the MYH7 protein (p.Ile457Val). This variant is not present in population databases (gnomAD no frequency). This variant has not been reported in the literature in individuals affected with MYH7-related conditions. Invitae Evidence Modeling of protein sequence and biophysical properties (such as structural, functional, and spatial information, amino acid conservation, physicochemical variation, residue mobility, and thermodynamic stability) indicates that this missense variant is expected to disrupt MYH7 protein function with a positive predictive value of 95%. This variant disrupts the p.Ile457 amino acid residue in MYH7. Other variant(s) that disrupt this residue have been determined to be pathogenic (PMID: 21750094, 26914223, 27247418, 27532257, 27688314, 28615295, 29121657; internal data). This suggests that this residue is clinically significant, and that variants that disrupt this residue are likely to be disease-causing. In summary, the available evidence is currently insufficient to determine the role of this variant in disease. Therefore, it has been classified as a Variant of Uncertain Significance.

Literature cited by the submitters: PubMed 21750094; PubMed 26914223; PubMed 27247418; PubMed 27532257; PubMed 27688314; PubMed 28615295; PubMed 29121657.

NM_000257.4(MYH7):c.1369A>G (p.Ile457Val)

Gene: MYH7 (myosin heavy chain 7; minus strand). Cytogenetic location: 14q11.2.
Variant type: single nucleotide variant.
Coding change: c.1369A>G on transcript NM_000257.4 (MANE Select); coding-DNA position 1369, A replaced by G.
Protein change: p.Ile457Val; replaces isoleucine 457 with valine.
Molecular consequence: missense variant.
Genome position (GRCh38, 1-based): chr14:23,428,993, T>C on the plus strand (A>G on the coding strand, the complement: MYH7 is on the minus strand). VCF-style: chr14-23428993-T-C. GRCh37 (hg19) VCF-style: chr14-23898202-T-C.
Other names: c.1369A>G, p.Ile457Val (NM_001407004.1); short protein forms I457V.
Identifiers: ClinVar variation 4801954 (VCV004801954.1).
Genomic context (GRCh38, chr14:23,428,993, plus strand): 5'-ACTCCCAGGGGTCCCAACTCACATCGAAGATCTCGAAGCCAGCGATGTCCAGGACTCCTA[T>C]GAAGTACTGGCGTGGCTGCTTGGTCTCCAGGGTGGCATTGATGCGCGTCACCATCCAGTT-3'
Protein context (NP_000248.2, residues 447-467): LETKQPRQYF[Ile457Val]GVLDIAGFEI